The following is an entry in ClinVar:

ClinVar aggregate classification (germline): Benign (0 of 4 stars; one submission).

Conditions:
MUC16-related disorder. Also called: MUC16-related condition.

Allele frequency attached by ClinVar (database versions not stated): gnomAD exomes 0.00029; gnomAD 0.00042; TOPMed 0.00050; ExAC 0.00081; 1000 Genomes Project 30x 0.00125; 1000 Genomes Project 0.00140.

Submission:

PreventionGenetics, part of Exact Sciences
Classification: Benign for MUC16-related condition. Last evaluated: 2019-03-29. Review status: no assertion criteria provided. Collection method: clinical testing. Allele origin: germline.
Comment: This variant is classified as benign based on ACMG/AMP sequence variant interpretation guidelines (Richards et al. 2015 PMID: 25741868, with internal and published modifications).

NM_001401501.2(MUC16):c.8618C>A (p.Thr2873Asn)

Gene: MUC16 (mucin 16, cell surface associated; minus strand). Cytogenetic location: 19p13.2.
Variant type: single nucleotide variant.
Coding change: c.8618C>A on transcript NM_001401501.2 (MANE Select); coding-DNA position 8618, C replaced by A.
Protein change: p.Thr2873Asn; replaces threonine 2873 with asparagine.
Molecular consequence: missense variant.
Genome position (GRCh38, 1-based): chr19:8,972,641, G>T on the plus strand (C>A on the coding strand, the complement: MUC16 is on the minus strand). VCF-style: chr19-8972641-G-T. GRCh37 (hg19) VCF-style: chr19-9083317-G-T.
Other names: c.9044C>A, p.Thr3015Asn (NM_001414686.1); c.8498C>A, p.Thr2833Asn (NM_001414687.1, NM_024690.2); short protein forms T2833N, T2873N, T3015N.
Identifiers: ClinVar variation 3047260 (VCV003047260.2), dbSNP rs75106663, ClinGen allele CA9171955.